The following is an entry in ClinVar:

NM_016343.4(CENPF):c.8902G>A (p.Ala2968Thr)

Gene: CENPF (centromere protein F; plus strand). Cytogenetic location: 1q41.
Variant type: single nucleotide variant.
Coding change: c.8902G>A on transcript NM_016343.4 (MANE Select); coding-DNA position 8902, G replaced by A.
Protein change: p.Ala2968Thr; replaces alanine 2968 with threonine.
Molecular consequence: missense variant.
Genome position (GRCh38, 1-based): chr1:214,657,349, G>A. VCF-style: chr1-214657349-G-A. GRCh37 (hg19) VCF-style: chr1-214830692-G-A.
Other names: short protein forms A2968T.
Identifiers: ClinVar variation 4999222 (VCV004999222.1).

ClinVar aggregate classification (germline): Uncertain significance (1 of 4 stars; one submission).

Conditions:
CENPF-related disorder. Also called: CENPF-related condition.

Submission:

PreventionGenetics, part of Exact Sciences
Classification: Uncertain significance for CENPF-related condition. Last evaluated: 2026-01-13. Review status: criteria provided, single submitter. Criteria: ACMG Guidelines, 2015. Collection method: clinical testing. Allele origin: germline.
Comment: The CENPF c.8902G>A variant is predicted to result in the amino acid substitution p.Ala2968Thr. To our knowledge, this variant has not been reported in the literature. This variant is reported in 0.0033% of alleles in individuals of South Asian descent in gnomAD. At this time, the clinical significance of this variant is uncertain due to the absence of conclusive functional and genetic evidence.